The following is an entry in ClinVar:

ClinVar aggregate classification (germline): Likely benign (1 of 4 stars; one submission).

Allele frequency attached by ClinVar (database versions not stated): gnomAD exomes below 0.00001.
gnomAD v4.1: 1 of 1,614,144 alleles (0.000062%); highest among the groups gnomAD compares: Non-Finnish European, 0.000085%; no homozygotes.

Submission:

CeGaT Center for Human Genetics Tuebingen
Classification: Likely benign. Last evaluated: 2022-03-01. Review status: criteria provided, single submitter. Criteria: CeGaT Center For Human Genetics Tuebingen Variant Classification Criteria Version 2. Collection method: clinical testing. Allele origin: germline. Affected: yes. Observed: 1 variant allele.
Comment: SAMHD1: PM2:Supporting, BP4, BP7

NM_015474.4(SAMHD1):c.1809A>G (p.Ser603=)

Genes: SAMHD1 (SAM and HD domain containing deoxynucleoside triphosphate triphosphohydrolase 1; minus strand), TLDC2 (TBC/LysM-associated domain containing 2; plus strand). Cytogenetic location: 20q11.23.
Variant type: single nucleotide variant.
Coding change: c.1809A>G on transcript NM_015474.4 (MANE Select); coding-DNA position 1809, A replaced by G.
Protein change: p.Ser603=; no amino-acid change (serine 603 retained).
Molecular consequence: synonymous variant. On other transcripts: 3 prime UTR variant (3).
Genome position (GRCh38, 1-based): chr20:36,893,004, T>C on the plus strand (A>G on the coding strand, the complement: SAMHD1 is on the minus strand). VCF-style: chr20-36893004-T-C. GRCh37 (hg19) VCF-style: chr20-35521407-T-C.
Other names: c.*160T>C (NM_001304783.1, NM_080628.3); c.1704A>G, p.Ser568= (NM_001363729.2); c.*902A>G (NM_001363733.2).
Identifiers: ClinVar variation 2652304 (VCV002652304.24), dbSNP rs2515209207, ClinGen allele CA510388202.
Genomic context (GRCh38, chr20:36,893,004, plus strand): 5'-ATCTTTAAAAAGCTGGACTCTGCTTTTGGATGCTTCTCGGAGGCGAGTTGGATTTTGGAC[T>C]GAAGTACTGTCGTTCCATTCCTTTTTTTGAGGTGTTATGAGTGGGGCTATAACATCGCCA-3'
Protein context (NP_056289.2, residues 593-613): PQKKEWNDST[Ser603=]VQNPTRLREA